The following is an entry in ClinVar:

NM_152703.5(SAMD9L):c.961T>G (p.Phe321Val)

Gene: SAMD9L (sterile alpha motif domain containing 9 like; minus strand). Cytogenetic location: 7q21.2.
Variant type: single nucleotide variant.
Coding change: c.961T>G on transcript NM_152703.5 (MANE Select); coding-DNA position 961, T replaced by G.
Protein change: p.Phe321Val; replaces phenylalanine 321 with valine.
Molecular consequence: missense variant.
Genome position (GRCh38, 1-based): chr7:93,135,011, A>C on the plus strand (T>G on the coding strand, the complement: SAMD9L is on the minus strand). VCF-style: chr7-93135011-A-C. GRCh37 (hg19) VCF-style: chr7-92764324-A-C.
Other names: c.961T>G, p.Phe321Val (NM_001303496.3, NM_001303497.3, NM_001303498.3 and 5 more transcripts); short protein forms F321V.
Identifiers: ClinVar variation 3792467 (VCV003792467.1).
Genomic context (GRCh38, chr7:93,135,011, plus strand): 5'-GTGAAAGATTTTGGTTTTGTTTCCATATTTTATCTTTACAAATTTGCATCTGAATGTAGA[A>C]ATACTTATCATTACATATAGAGTGTTTTGGAATAGTATCAACTTCAATGACAAATCTGTC-3'
Protein context (NP_689916.2, residues 311-331): PKHSICNDKY[Phe321Val]YIQMQICKDK

ClinVar aggregate classification (germline): Uncertain significance (1 of 4 stars; one submission).

Conditions:
Inborn genetic diseases. Identifiers: MedGen C0950123, MeSH D030342.

gnomAD v4.1: 11 of 1,612,954 alleles (0.00068%); highest among the groups gnomAD compares: Non-Finnish European, 0.00093%; no homozygotes.

Submission:

Ambry Genetics
Classification: Uncertain significance for Inborn genetic diseases. Last evaluated: 2025-02-28. Review status: criteria provided, single submitter. Criteria: Ambry Variant Classification Scheme 2023. Collection method: clinical testing. Allele origin: germline.
Comment: The p.F321V variant (also known as c.961T>G), located in coding exon 1 of the SAMD9L gene, results from a T to G substitution at nucleotide position 961. The phenylalanine at codon 321 is replaced by valine, an amino acid with highly similar properties. This amino acid position is conserved. In addition, the in silico prediction for this alteration is inconclusive. Based on the available evidence, the clinical significance of this variant remains unclear.